The following is an entry in ClinVar:

NM_004836.7(EIF2AK3):c.1038G>C (p.Lys346Asn)

Gene: EIF2AK3 (eukaryotic translation initiation factor 2 alpha kinase 3; minus strand). Cytogenetic location: 2p11.2.
Variant type: single nucleotide variant.
Coding change: c.1038G>C on transcript NM_004836.7 (MANE Select); coding-DNA position 1038, G replaced by C.
Protein change: p.Lys346Asn; replaces lysine 346 with asparagine.
Molecular consequence: missense variant.
Genome position (GRCh38, 1-based): chr2:88,590,570, C>G on the plus strand (G>C on the coding strand, the complement: EIF2AK3 is on the minus strand). VCF-style: chr2-88590570-C-G. GRCh37 (hg19) VCF-style: chr2-88890088-C-G.
Other names: c.585G>C, p.Lys195Asn (NM_001313915.2); short protein forms K346N, K195N.
Identifiers: ClinVar variation 4017085 (VCV004017085.2).

ClinVar aggregate classification (germline): Uncertain significance. Review status: criteria provided, multiple submitters, no conflicts (2 of 4 stars). 2 submissions from 2 submitters: Uncertain significance (2). Last evaluated 2025-12-29.

Conditions:
Inborn genetic diseases. Identifiers: MedGen C0950123, MeSH D030342.

gnomAD v4.1: 26 of 1,613,138 alleles (0.0016%); highest among the groups gnomAD compares: Non-Finnish European, 0.002%; no homozygotes.

Submissions (2):

Labcorp Genetics (formerly Invitae), Labcorp
Classification: Uncertain significance. Last evaluated: 2025-12-29. Review status: criteria provided, single submitter. Criteria: Invitae Variant Classification Sherloc (09022015). Collection method: clinical testing. Allele origin: germline.
Comment: This sequence change replaces lysine, which is basic and polar, with asparagine, which is neutral and polar, at codon 346 of the EIF2AK3 protein (p.Lys346Asn). This variant is not present in population databases (gnomAD no frequency). This variant has not been reported in the literature in individuals affected with EIF2AK3-related conditions. ClinVar contains an entry for this variant (Variation ID: 4017085). An algorithm developed to predict the effect of missense changes on protein structure and function (PolyPhen-2) suggests that this variant is likely to be tolerated. In summary, the available evidence is currently insufficient to determine the role of this variant in disease. Therefore, it has been classified as a Variant of Uncertain Significance.

Ambry Genetics
Classification: Uncertain significance for Inborn genetic diseases. Last evaluated: 2025-05-14. Review status: criteria provided, single submitter. Criteria: Ambry Variant Classification Scheme 2023. Collection method: clinical testing. Allele origin: germline.